The following continues an entry in ClinVar:

NM_016038.4(SBDS):c.258+2T>C

Gene: SBDS. ClinVar aggregate classification (germline): Pathogenic/Likely pathogenic. Pathogenic (60); Likely pathogenic (3).

Submissions 25 to 39 of 95:

Neuberg Centre For Genomic Medicine, NCGM
Classification: Pathogenic for Shwachman-Diamond syndrome 1. Last evaluated: 2023-06-22. Review status: criteria provided, single submitter. Criteria: ACMG Guidelines, 2015. Collection method: clinical testing. Allele origin: germline. Affected: yes.
Comment: The observed splice donor variant c.258+2T>C in the SBDS gene has been reported previously in heterozygous, homozygous and compound heterozygous state in multiple individuals with Shwachman Diamond syndrome and is one of the most common pathogenic variants detected in teh SBDS gene Thompson AS, et al., 2022; Furutani E, et al., 2022. Experimental studies have shown that this variant affects SBDS function Peretto L, et al., 2023. It is submitted to ClinVar as Pathogenic/Likely pathogenic by multiple submitters. This variant is reported with the allele frequency 0.4% in the gnomAD Exomes. The variant affects the GT donor splice site downstream of exon 2. Loss of function variants have been previously reported to be disease causing. The variant is predicted to be damaging by SpliceAI prediction tool. For these reasons, this variant has been classified as Pathogenic.

Broad Center for Mendelian Genomics, Broad Institute of MIT and Harvard
Classification: Pathogenic for Shwachman-Diamond syndrome 1. Last evaluated: 2023-05-02. Review status: criteria provided, single submitter. Criteria: ACMG Guidelines, 2015. Collection method: curation. Allele origin: germline. Inheritance: Autosomal recessive inheritance.
Comment: The c.258+2T>C variant in SBDS has been reported in over 108 unrelated individuals with Swachman-Diamond syndrome (PMID: 15769891, PMID: 15860664, PMID: 12496757) but has been identified in 0.8% (88/10582) of European (Finnish) chromosomes by the Genome Aggregation Database (gnomAD; dbSNP ID: rs113993993); however, this allele frequency may not be accurate due to the presence of a pseudogene (SBDSP). This variant has also been reported in ClinVar (Variation ID: 3196) and has been interpreted as pathogenic by multiple submitters. Of these 108 individuals, 9 were homozygotes (PMID: 15860664, PMID: 12496757, PMID: 15769891) and 97 were compound heterozygotes who carried pathogenic or likely pathogenic variants in trans (PMID: 15769891, ClinVar Variation ID: 3195, ClinVar Variation ID: 21539; PMID: 15860664, ClinVar Variation ID: 929404, ClinVar Variation ID: 3195, ClinVar Variation ID: 265256, PMID: 12496757, ClinVar Variation ID: 3195, ), which increases the likelihood that the c.258+2T>C variant is pathogenic. RT-PCR analysis performed on affected tissue shows evidence of altered splicing of exon 2, with an 8bp deletion, frameshift, and premature protein truncation (PMID: 12496757); in vitro assays suggest that the resulting prematurely truncated protein is unstable (PMID: 17478638). This variant is located in the 5' splice region. Computational tools predict a splicing impact, though this information is not predictive enough to determine pathogenicity. Loss of function is an established disease mechanism of autosomal recessive Swachman-Diamond syndrome. In summary, this variant meets criteria to be classified as pathogenic for autosomal recessive Swachman-Diamond syndrome. ACMG/AMP Criteria applied: PVS1, PS3_Moderate, PM3_VeryStrong (Richards 2015).

University of Washington Department of Laboratory Medicine, University of Washington
Classification: Pathogenic for Shwachman-Diamond syndrome 1. Last evaluated: 2022-12-16. Review status: criteria provided, single submitter. Criteria: ACMG Guidelines, 2015. Collection method: clinical testing. Allele origin: paternal. Affected: yes.
Comment: The c.258+2T>C variant in the SBDS gene is one of the most common and well-established pathogenic variants associated with Shwachman-Diamond syndrome (Nelson & Myers 2018). This variant has been submitted to ClinVar (Variation ID: 3196). The c.258+2T>C variant is thought to result from a gene conversion event between the SBDS gene and the SBDSP1 pseudogene. Frequency of the c.258+2T>C variant in large population databases, including the Genome Aggregation Database, is considered unreliable due to mis-mapping between highly homologous regions of SBDS and SBDSP1 genes. The c.258+2T>C variant alters the canonical donor splice site in intron 2, which results in abnormal gene splicing causing a frameshift in the protein’s reading frame (Boocock 2003). Using ACMG guidelines, this variant was classified as pathogenic for autosomal recessive Shwachman-Diamond syndrome (ACMG evidence codes used: PVS1, PM3_very strong).

Clinical Genetics Laboratory, Skane University Hospital Lund
Classification: Pathogenic. Last evaluated: 2022-07-13. Review status: criteria provided, single submitter. Criteria: ACMG Guidelines, 2015. Collection method: clinical testing. Allele origin: germline. Affected: yes.

Mendelics
Classification: Pathogenic for Shwachman-Diamond syndrome 1. Last evaluated: 2022-05-04. Review status: criteria provided, single submitter. Criteria: Mendelics Assertion Criteria 2019. Collection method: clinical testing. Allele origin: germline.

Bioinformatics Unit, Institut Pasteur de Montevideo
Classification: Likely pathogenic for Shwachman-Diamond syndrome 1. Last evaluated: 2022-05-03. Review status: criteria provided, single submitter. Criteria: ACMG Guidelines, 2015. Collection method: clinical testing. Allele origin: germline. Inheritance: Autosomal recessive inheritance. Affected: yes. Observed: 1 compound heterozygote.

Laboratorio de Genetica e Diagnostico Molecular, Hospital Israelita Albert Einstein
Classification: Pathogenic for Shwachman-Diamond syndrome 1. Last evaluated: 2022-04-07. Review status: criteria provided, single submitter. Criteria: ACMG Guidelines, 2015. Collection method: clinical testing. Allele origin: germline. Affected: yes. Observed: 1 variant allele.
Comment: ACMG classification criteria: PVS1 strong, PS3 supporting, PM3 very strong

Genomic Diagnostic Laboratory, Division of Genomic Diagnostics, Children's Hospital of Philadelphia
Classification: Pathogenic for Shwachman-Diamond syndrome 1. Last evaluated: 2021-12-16. Review status: criteria provided, single submitter. Criteria: ACMG Guidelines, 2015. Collection method: clinical testing. Allele origin: germline. Affected: no. Observed: 1 variant allele.

Institute of Human Genetics Munich, TUM University Hospital
Classification: Pathogenic for Shwachman-Diamond syndrome 1. Last evaluated: 2021-12-16. Review status: criteria provided, single submitter. Criteria: Classification criteria August 2017. Collection method: clinical testing. Allele origin: inherited. Inheritance: Autosomal recessive inheritance. Affected: yes. Observed: 1 variant allele.

Institute of Human Genetics, University of Leipzig Medical Center
Classification: Pathogenic for Shwachman-Diamond syndrome 1. Last evaluated: 2021-12-16. Review status: criteria provided, single submitter. Criteria: ACMG Guidelines, 2015. Collection method: clinical testing. Allele origin: unknown. Affected: yes.
Comment: This variant was identified as homozygous._x000D_ Criteria applied: PVS1, PS3, PS4

CENTOGENE GmbH and LLC - Guiding Precision Medicine
Classification: Pathogenic for Shwachman-Diamond syndrome 1. Last evaluated: 2021-11-05. Review status: criteria provided, single submitter. Criteria: ACMG Guidelines, 2015. Collection method: clinical testing. Allele origin: germline. Affected: yes.

Institute for Clinical Genetics, University Hospital TU Dresden, University Hospital TU Dresden
Classification: Likely pathogenic. Last evaluated: 2021-11-03. Review status: criteria provided, single submitter. Criteria: ACMG Guidelines, 2015. Collection method: clinical testing. Allele origin: germline.

Laboratory of Medical Genetics, National & Kapodistrian University of Athens
Classification: Pathogenic for Shwachman-Diamond syndrome 1. Last evaluated: 2021-10-01. Review status: criteria provided, single submitter. Criteria: ACMG Guidelines, 2015. Collection method: clinical testing. Allele origin: paternal. Affected: yes.
Comment: PVS1, PP2, PP5

AURAGEN, Plan France Médecine Génomique
Classification: Pathogenic for Chondrodysplasia. Last evaluated: 2021-09-29. Review status: criteria provided, single submitter. Criteria: PFMG2025 (Lancet Reg Health Eur. 2025). Collection method: clinical testing. Allele origin: germline. Affected: yes.

Genetics and Genomic Medicine Centre, NeuroGen Healthcare, NeuroGen Healthcare
Classification: Pathogenic for Shwachman-Diamond syndrome 1. Last evaluated: 2021-08-23. Review status: criteria provided, single submitter. Criteria: Submitter's publication. Collection method: clinical testing. Allele origin: unknown. Affected: no.